The following is an entry in ClinVar:

NC_000007.14:g.2543312_2543326del

Gene: BRAT1 (BRCA1 associated ATM activator 1; minus strand). Cytogenetic location: 7p22.3.
Variant type: Deletion.
Genome position: GRCh38 VCF-style: chr7-2543304-AAGAACTGAACACGGG-A. GRCh37 (hg19) VCF-style: chr7-2582938-AAGAACTGAACACGGG-A.
Identifiers: ClinVar variation 842146 (VCV000842146.7), ClinGen allele CA572177453.

ClinVar aggregate classification (germline): Uncertain significance (1 of 4 stars; one submission).

Conditions:
Neonatal-onset encephalopathy with rigidity and seizures. Also called: Lethal neonatal spasticity-epileptic encephalopathy syndrome. Identifiers: Orphanet 435845, MedGen C3281029, MONDO:0013784, OMIM 614498.

Submission:

Labcorp Genetics (formerly Invitae), Labcorp
Classification: Uncertain significance for Neonatal-onset encephalopathy with rigidity and seizures. Last evaluated: 2021-11-01. Review status: criteria provided, single submitter. Criteria: Invitae Variant Classification Sherloc (09022015). Collection method: clinical testing. Allele origin: germline.
Comment: This variant, c.808_822del, results in the deletion of 5 amino acid(s) of the BRAT1 protein (p.Pro270_Ser274del), but otherwise preserves the integrity of the reading frame. This variant is present in population databases (no rsID available, gnomAD 0.002%). This variant has not been reported in the literature in individuals affected with BRAT1-related conditions. ClinVar contains an entry for this variant (Variation ID: 842146). Experimental studies and prediction algorithms are not available or were not evaluated, and the functional significance of this variant is currently unknown. In summary, the available evidence is currently insufficient to determine the role of this variant in disease. Therefore, it has been classified as a Variant of Uncertain Significance.